The following is an entry in ClinVar:

ClinVar aggregate classification (germline): Uncertain significance. Review status: criteria provided, multiple submitters, no conflicts (2 of 4 stars). 2 submissions from 2 submitters: Uncertain significance (2). Last evaluated 2025-03-13.

Conditions:
Cardiovascular phenotype. Identifiers: MedGen CN230736.
Ehlers-Danlos syndrome (EDS). Identifiers: Orphanet 98249, MedGen C0013720, MONDO:0020066.

Allele frequency attached by ClinVar (database versions not stated): gnomAD exomes below 0.00001; ExAC 0.00001; gnomAD 0.00001; TOPMed 0.00001.
gnomAD v4.1: 1 of 1,605,012 alleles (0.000062%); highest among the groups gnomAD compares: African/African-American, 0.0013%; no homozygotes.

Submissions (2):

Ambry Genetics
Classification: Uncertain significance for Cardiovascular phenotype. Last evaluated: 2025-03-13. Review status: criteria provided, single submitter. Criteria: Ambry Variant Classification Scheme 2023. Collection method: clinical testing. Allele origin: germline.
Comment: The p.Y3511N variant (also known as c.10531T>A), located in coding exon 30 of the TNXB gene, results from a T to A substitution at nucleotide position 10531. The tyrosine at codon 3511 is replaced by asparagine, an amino acid with dissimilar properties. This amino acid position is conserved. In addition, this alteration is predicted to be deleterious by in silico analysis. Based on the available evidence, the clinical significance of this variant remains unclear.

Genome Diagnostics Laboratory, The Hospital for Sick Children
Classification: Uncertain significance for Ehlers-Danlos syndrome. Last evaluated: 2020-07-22. Review status: criteria provided, single submitter. Criteria: ACMG Guidelines, 2015. Collection method: clinical testing. Allele origin: germline.

NM_001365276.2(TNXB):c.10537T>A (p.Tyr3513Asn)

Gene: TNXB (tenascin XB; minus strand). Cytogenetic location: 6p21.33.
Variant type: single nucleotide variant.
Coding change: c.10537T>A on transcript NM_001365276.2 (MANE Select); coding-DNA position 10537, T replaced by A.
Protein change: p.Tyr3513Asn; replaces tyrosine 3513 with asparagine.
Molecular consequence: missense variant.
Genome position (GRCh38, 1-based): chr6:32,046,244, A>T on the plus strand (T>A on the coding strand, the complement: TNXB is on the minus strand). VCF-style: chr6-32046244-A-T. GRCh37 (hg19) VCF-style: chr6-32014021-A-T.
Other names: c.10531T>A, p.Tyr3511Asn (NM_019105.8); short protein forms Y3511N, Y3513N.
Identifiers: ClinVar variation 1702296 (VCV001702296.4), dbSNP rs771230373, ClinGen allele CA3733202.